The following is an entry in ClinVar:

NM_001034853.2(RPGR):c.1841A>C (p.Lys614Thr)

Gene: RPGR (retinitis pigmentosa GTPase regulator; minus strand). Cytogenetic location: Xp11.4.
Variant type: single nucleotide variant.
Coding change: c.1841A>C on transcript NM_001034853.2 (MANE Select); coding-DNA position 1841, A replaced by C.
Protein change: p.Lys614Thr; replaces lysine 614 with threonine.
Molecular consequence: missense variant. On other transcripts: non-coding transcript variant (2), intron variant (5).
Genome position (GRCh38, 1-based): chrX:38,287,158, T>G on the plus strand (A>C on the coding strand, the complement: RPGR is on the minus strand). VCF-style: chrX-38287158-T-G. GRCh37 (hg19) VCF-style: chrX-38146411-T-G.
Other names: c.1841A>C, p.Lys614Thr (NM_000328.3); c.1838A>C, p.Lys613Thr (NM_001367245.1); c.1655A>C, p.Lys552Thr (NM_001367246.1); c.1569+3801A>C (NM_001367249.1, NM_001367250.1); c.1386+3801A>C (NM_001367251.1); c.1572+3801A>C (NM_001367247.1); c.1602+3801A>C (NM_001367248.1); short protein forms K552T, K613T, K614T.
Identifiers: ClinVar variation 2806570 (VCV002806570.3), dbSNP rs2519795032, ClinGen allele CA412732644.

ClinVar aggregate classification (germline): Uncertain significance (1 of 4 stars; one submission).

Conditions:
Primary ciliary dyskinesia. Also called: Ciliary dyskinesia. Identifiers: Orphanet 244, MedGen C0008780, MONDO:0016575, HP:0012265.

Submission:

Labcorp Genetics (formerly Invitae), Labcorp
Classification: Uncertain significance for Primary ciliary dyskinesia. Last evaluated: 2025-03-10. Review status: criteria provided, single submitter. Criteria: Invitae Variant Classification Sherloc (09022015). Collection method: clinical testing. Allele origin: germline.
Comment: This sequence change replaces lysine, which is basic and polar, with threonine, which is neutral and polar, at codon 614 of the RPGR protein (p.Lys614Thr). This variant is not present in population databases (gnomAD no frequency). This variant has not been reported in the literature in individuals affected with RPGR-related conditions. ClinVar contains an entry for this variant (Variation ID: 2806570). Invitae Evidence Modeling of protein sequence and biophysical properties (such as structural, functional, and spatial information, amino acid conservation, physicochemical variation, residue mobility, and thermodynamic stability) indicates that this missense variant is not expected to disrupt RPGR protein function with a negative predictive value of 95%. In summary, the available evidence is currently insufficient to determine the role of this variant in disease. Therefore, it has been classified as a Variant of Uncertain Significance.